The following is an entry in ClinVar:

NM_020778.5(ALPK3):c.1342G>A (p.Gly448Arg)

Gene: ALPK3 (alpha kinase 3; plus strand). Cytogenetic location: 15q25.3.
Variant type: single nucleotide variant.
Coding change: c.1342G>A on transcript NM_020778.5 (MANE Select); coding-DNA position 1342, G replaced by A.
Protein change: p.Gly448Arg; replaces glycine 448 with arginine.
Molecular consequence: missense variant.
Genome position (GRCh38, 1-based): chr15:84,840,621, G>A. VCF-style: chr15-84840621-G-A. GRCh37 (hg19) VCF-style: chr15-85383852-G-A.
Other names: short protein forms G448R.
Identifiers: ClinVar variation 1190553 (VCV001190553.5), dbSNP rs750284989, ClinGen allele CA7709167.

ClinVar aggregate classification (germline): Uncertain significance. Review status: criteria provided, multiple submitters, no conflicts (2 of 4 stars). 3 submissions from 3 submitters: Uncertain significance (3). Last evaluated 2026-08-29.

Conditions:
Cardiovascular phenotype. Identifiers: MedGen CN230736.

Allele frequency attached by ClinVar (database versions not stated): gnomAD exomes below 0.00001; ExAC 0.00001; TOPMed 0.00001.
gnomAD v4.1: 2 of 1,559,626 alleles (0.00013%); highest among the groups gnomAD compares: East Asian, 0.0045%; no homozygotes.

Submissions (3):

Ambry Genetics
Classification: Uncertain significance for Cardiovascular phenotype. Last evaluated: 2026-08-29. Review status: criteria provided, single submitter. Criteria: Ambry Variant Classification Scheme 2023. Collection method: clinical testing. Allele origin: germline.
Comment: The p.G650R variant (also known as c.1948G>A), located in coding exon 5 of the ALPK3 gene, results from a G to A substitution at nucleotide position 1948. The glycine at codon 650 is replaced by arginine, an amino acid with dissimilar properties. This amino acid position is conserved. In addition, this alteration is predicted to be tolerated by in silico analysis. Based on the available evidence, the clinical significance of this variant remains unclear.

Labcorp Genetics (formerly Invitae), Labcorp
Classification: Uncertain significance. Last evaluated: 2024-05-04. Review status: criteria provided, single submitter. Criteria: Invitae Variant Classification Sherloc (09022015). Collection method: clinical testing. Allele origin: germline.
Comment: This sequence change replaces glycine, which is neutral and non-polar, with arginine, which is basic and polar, at codon 650 of the ALPK3 protein (p.Gly650Arg). This variant is not present in population databases (gnomAD no frequency). This variant has not been reported in the literature in individuals affected with ALPK3-related conditions. ClinVar contains an entry for this variant (Variation ID: 1190553). Algorithms developed to predict the effect of missense changes on protein structure and function output the following: SIFT: "Not Available"; PolyPhen-2: "Benign"; Align-GVGD: "Not Available". The arginine amino acid residue is found in multiple mammalian species, which suggests that this missense change does not adversely affect protein function. In summary, the available evidence is currently insufficient to determine the role of this variant in disease. Therefore, it has been classified as a Variant of Uncertain Significance.

GeneDx
Classification: Uncertain significance. Last evaluated: 2019-10-03. Review status: criteria provided, single submitter. Criteria: GeneDx Variant Classification Process June 2021. Collection method: clinical testing. Allele origin: germline. Affected: yes.
Comment: Not observed in large population cohorts (Lek et al., 2016); In silico analysis, which includes protein predictors and evolutionary conservation, supports that this variant does not alter protein structure/function; Has not been previously published as pathogenic or benign to our knowledge